The following is an entry in ClinVar:

NM_021926.4(ALX4):c.887G>A (p.Arg296Gln)

Gene: ALX4 (ALX homeobox 4; minus strand). Cytogenetic location: 11p11.2.
Variant type: single nucleotide variant.
Coding change: c.887G>A on transcript NM_021926.4 (MANE Select); coding-DNA position 887, G replaced by A.
Protein change: p.Arg296Gln; replaces arginine 296 with glutamine.
Molecular consequence: missense variant.
Genome position (GRCh38, 1-based): chr11:44,267,513, C>T on the plus strand (G>A on the coding strand, the complement: ALX4 is on the minus strand). VCF-style: chr11-44267513-C-T. GRCh37 (hg19) VCF-style: chr11-44289063-C-T.
Other names: short protein forms R296Q.
Identifiers: ClinVar variation 2348417 (VCV002348417.4), dbSNP rs144961504, ClinGen allele CA5955610.

ClinVar aggregate classification (germline): Conflicting classifications of pathogenicity. Review status: criteria provided, conflicting classifications (1 of 4 stars). 2 submissions from 2 submitters: Uncertain significance (1); Likely benign (1). Last evaluated 2024-05-07.

Conditions:
Inborn genetic diseases. Identifiers: MedGen C0950123, MeSH D030342.

Allele frequency attached by ClinVar (database versions not stated): ExAC 0.00012; 1000 Genomes Project 0.00020; 1000 Genomes Project 30x 0.00031; TOPMed 0.00045; gnomAD 0.00050; ESP Exome Variant Server 0.00077.

Submissions (2):

Labcorp Genetics (formerly Invitae), Labcorp
Classification: Uncertain significance. Last evaluated: 2024-05-07. Review status: criteria provided, single submitter. Criteria: Invitae Variant Classification Sherloc (09022015). Collection method: clinical testing. Allele origin: germline.
Comment: This sequence change replaces arginine, which is basic and polar, with glutamine, which is neutral and polar, at codon 296 of the ALX4 protein (p.Arg296Gln). This variant is present in population databases (rs144961504, gnomAD 0.2%). This variant has not been reported in the literature in individuals affected with ALX4-related conditions. ClinVar contains an entry for this variant (Variation ID: 2348417). An algorithm developed to predict the effect of missense changes on protein structure and function (PolyPhen-2) suggests that this variant is likely to be disruptive. In summary, the available evidence is currently insufficient to determine the role of this variant in disease. Therefore, it has been classified as a Variant of Uncertain Significance.

Ambry Genetics
Classification: Likely benign for Inborn genetic diseases. Last evaluated: 2021-12-17. Review status: criteria provided, single submitter. Criteria: Ambry Variant Classification Scheme 2023. Collection method: clinical testing. Allele origin: germline.